The following is an entry in ClinVar:

ClinVar aggregate classification (germline): Pathogenic/Likely pathogenic. Review status: criteria provided, multiple submitters, no conflicts (2 of 4 stars). 4 submissions from 4 submitters: Pathogenic (2); Likely pathogenic (2). Last evaluated 2026-01-25.

Conditions:
Acute infantile liver failure due to synthesis defect of mtDNA-encoded proteins. Also called: LIVER FAILURE, INFANTILE, TRANSIENT; TRMU Deficiency; Liver failure acute infantile. Identifiers: Orphanet 217371, MedGen C3278664, MONDO:0013111, OMIM 613070.
Aminoglycoside-induced deafness. Also called: STREPTOMYCIN OTOTOXICITY; DEAFNESS, STREPTOMYCIN-INDUCED; MT-RNR1-Related Hearing Loss and Deafness. Identifiers: Orphanet 168609, MedGen C1838854, MONDO:0010799, OMIM 580000.

Submissions (4):

Natera, Inc.
Classification: Likely pathogenic for Acute infantile liver failure due to synthesis defect of mtDNA-encoded proteins. Last evaluated: 2026-01-25. Review status: criteria provided, single submitter. Criteria: Natera Variant Classification Schema (03/2026). Collection method: clinical testing. Allele origin: germline.
Comment: The c.1041_1044dupTCAA variant in TRMU is a frameshift variant predicted to shift the reading frame beginning at codon 349 and leads to a stop codon 58 codons downstream. This variant is expected to result in nonsense mediated decay, truncation, or a dysfunctional protein product. This variant is rare in the general population with a frequency below the threshold expected for the associated phenotype(s). This variant has been observed in one or more individuals affected with the associated recessive disease, as either homozygous or compound heterozygous with a second variant (PMID: 31683770). Given the available evidence, this variant is classified as Likely Pathogenic.

GeneDx
Classification: Likely pathogenic. Last evaluated: 2024-10-18. Review status: criteria provided, single submitter. Criteria: GeneDx Variant Classification Process June 2021. Collection method: clinical testing. Allele origin: germline. Affected: yes.
Comment: Frameshift variant predicted to result in protein truncation, as the last 73 amino acids are replaced with 57 different amino acids; Not observed at significant frequency in large population cohorts (gnomAD); This variant is associated with the following publications: (PMID: 31683770)

Baylor Genetics
Classification: Pathogenic for Aminoglycoside-induced deafness. Last evaluated: 2024-03-24. Review status: criteria provided, single submitter. Criteria: ACMG Guidelines, 2015. Collection method: clinical testing. Allele origin: unknown.

Labcorp Genetics (formerly Invitae), Labcorp
Classification: Pathogenic. Last evaluated: 2023-08-07. Review status: criteria provided, single submitter. Criteria: Invitae Variant Classification Sherloc (09022015). Collection method: clinical testing. Allele origin: germline.
Comment: For these reasons, this variant has been classified as Pathogenic. This variant disrupts a region of the TRMU protein in which other variant(s) (c.1102-3C>G) have been determined to be pathogenic (PMID: 21931168). This suggests that this is a clinically significant region of the protein, and that variants that disrupt it are likely to be disease-causing. This premature translational stop signal has been observed in individual(s) with infantile liver failure (PMID: 31683770). This variant is present in population databases (rs755535065, gnomAD 0.009%). This sequence change creates a premature translational stop signal (p.Asp349Serfs*58) in the TRMU gene. While this is not anticipated to result in nonsense mediated decay, it is expected to disrupt the last 73 amino acid(s) of the TRMU protein.

Literature cited by the submitters: PubMed 31683770 (cited by Natera, Inc. and Labcorp Genetics (formerly Invitae), Labcorp); PubMed 21931168 (cited by Labcorp Genetics (formerly Invitae), Labcorp).

NM_018006.5(TRMU):c.1041_1044dup (p.Asp349fs)

Gene: TRMU (tRNA mitochondrial 2-thiouridylase; plus strand). Cytogenetic location: 22q13.31.
Variant type: Microsatellite.
Coding change: c.1041_1044dup on transcript NM_018006.5 (MANE Select); coding-DNA positions 1041 to 1044, 4 bases duplicated (TCAA; older notation c.1041_1044dupTCAA).
Protein change: p.Asp349fs; shifts the reading frame from aspartic acid 349.
Molecular consequence: frameshift variant. On other transcripts: non-coding transcript variant (2), intron variant (2).
Genome position (GRCh38, 1-based): chr22:46,356,012-46,356,015, TCAA duplicated; duplicating any 4 consecutive bases within chr22:46,356,008-46,356,015 gives the same sequence; the c. name uses the placement nearest the transcript's 3' end. VCF-style (leftmost placement, unchanged base first): chr22-46356007-C-CTCAA. GRCh37 (hg19) VCF-style: chr22-46751904-C-CTCAA.
Other names: c.*481_*484TCAA[3] (NM_001008568.2); c.*575_*578TCAA[3] (NM_001008570.2); c.699_702dup, p.Asp235fs (NM_001282782.2); c.621_624dup, p.Asp209fs (NM_001282783.2); c.1018+420TCAA[3] (NM_001282785.2); c.598+420TCAA[3] (NM_001282784.2); c.1041_1044dup (NM_018006.4); c.1041_1044dupTCAA (NM_018006.4); short protein forms D209fs, D235fs, D349fs.
Identifiers: ClinVar variation 1979783 (VCV001979783.7), dbSNP rs755535065, ClinGen allele CA10292391.